The following is an entry in ClinVar:

ClinVar aggregate classification (germline): Uncertain significance (1 of 4 stars; one submission).

Conditions:
Inborn genetic diseases. Identifiers: MedGen C0950123, MeSH D030342.

Submission:

Ambry Genetics
Classification: Uncertain significance for Inborn genetic diseases. Last evaluated: 2025-11-08. Review status: criteria provided, single submitter. Criteria: Ambry Variant Classification Scheme 2023. Collection method: clinical testing. Allele origin: germline.
Comment: The p.T997I variant (also known as c.2990C>T), located in coding exon 29 of the RTEL1 gene, results from a C to T substitution at nucleotide position 2990. The threonine at codon 997 is replaced by isoleucine, an amino acid with similar properties. This amino acid position is conserved. In addition, this alteration is predicted to be tolerated by in silico analysis. Based on the available evidence, the clinical significance of this variant remains unclear.

NM_001283009.2(RTEL1):c.2990C>T (p.Thr997Ile)

Genes: RTEL1 (regulator of telomere elongation helicase 1; plus strand), RTEL1-TNFRSF6B (RTEL1-TNFRSF6B readthrough (NMD candidate); plus strand). Cytogenetic location: 20q13.33.
Variant type: single nucleotide variant.
Coding change: c.2990C>T on transcript NM_001283009.2 (MANE Select); coding-DNA position 2990, C replaced by T.
Protein change: p.Thr997Ile; replaces threonine 997 with isoleucine.
Molecular consequence: missense variant. On other transcripts: non-coding transcript variant (1).
Genome position (GRCh38, 1-based): chr20:63,693,281, C>T. VCF-style: chr20-63693281-C-T. GRCh37 (hg19) VCF-style: chr20-62324634-C-T.
Other names: c.2321C>T, p.Thr774Ile (NM_001283010.1); c.2990C>T, p.Thr997Ile (NM_016434.4); c.3062C>T, p.Thr1021Ile (NM_032957.5); short protein forms T1021I, T774I, T997I.
Identifiers: ClinVar variation 4629589 (VCV004629589.1).